The following is an entry in ClinVar:

NM_000285.4(PEPD):c.196C>T (p.Arg66Cys)

Gene: PEPD (peptidase D; minus strand). Cytogenetic location: 19q13.11.
Variant type: single nucleotide variant.
Coding change: c.196C>T on transcript NM_000285.4 (MANE Select); coding-DNA position 196, C replaced by T.
Protein change: p.Arg66Cys; replaces arginine 66 with cysteine.
Molecular consequence: missense variant.
Genome position (GRCh38, 1-based): chr19:33,512,598, G>A on the plus strand (C>T on the coding strand, the complement: PEPD is on the minus strand). VCF-style: chr19-33512598-G-A. GRCh37 (hg19) VCF-style: chr19-34003504-G-A.
Other names: c.196C>T, p.Arg66Cys (NM_001166056.2, NM_001166057.2); short protein forms R66C.
Identifiers: ClinVar variation 1477372 (VCV001477372.5), dbSNP rs368995247, ClinGen allele CA9364470.

ClinVar aggregate classification (germline): Uncertain significance (1 of 4 stars; one submission).

Allele frequency attached by ClinVar (database versions not stated): gnomAD exomes 0.00001 and 0.00002; gnomAD 0.00002 and 0.00003; ExAC 0.00003; TOPMed 0.00003; ESP Exome Variant Server 0.00008; 1000 Genomes Project 30x 0.00016; 1000 Genomes Project 0.00020.
gnomAD v4.1: 16 of 1,613,542 alleles (0.00099%); highest among the groups gnomAD compares: Middle Eastern, 0.017%; no homozygotes.

Submission:

Labcorp Genetics (formerly Invitae), Labcorp
Classification: Uncertain significance. Last evaluated: 2021-09-24. Review status: criteria provided, single submitter. Criteria: Invitae Variant Classification Sherloc (09022015). Collection method: clinical testing. Allele origin: germline.
Comment: This sequence change replaces arginine with cysteine at codon 66 of the PEPD protein (p.Arg66Cys). The arginine residue is highly conserved and there is a large physicochemical difference between arginine and cysteine. This variant is present in population databases (rs368995247, ExAC 0.02%). This variant has not been reported in the literature in individuals with PEPD-related conditions. Algorithms developed to predict the effect of missense changes on protein structure and function (SIFT, PolyPhen-2, Align-GVGD) all suggest that this variant is likely to be disruptive, but these predictions have not been confirmed by published functional studies and their clinical significance is uncertain. In summary, the available evidence is currently insufficient to determine the role of this variant in disease. Therefore, it has been classified as a Variant of Uncertain Significance.